The following is an entry in ClinVar:

ClinVar aggregate classification (germline): Uncertain significance (1 of 4 stars; one submission).

Conditions:
Brugada syndrome. Also called: Sudden unexplained nocturnal death syndrome; Sudden unexpected nocturnal death syndrome; Sudden Unexplained Death Syndrome; Sudden Unexplained Nocturnal Death Syndrome (SUNDS). Identifiers: Orphanet 130, MedGen C1142166, MONDO:0015263.

Allele frequency attached by ClinVar (database versions not stated): gnomAD exomes below 0.00001.
gnomAD v4.1: 1 of 1,614,040 alleles (0.000062%); highest among the groups gnomAD compares: Admixed American, 0.0017%; no homozygotes.

Submission:

Labcorp Genetics (formerly Invitae), Labcorp
Classification: Uncertain significance for Brugada syndrome. Last evaluated: 2023-05-22. Review status: criteria provided, single submitter. Criteria: Invitae Variant Classification Sherloc (09022015). Collection method: clinical testing. Allele origin: germline.
Comment: This sequence change replaces proline, which is neutral and non-polar, with serine, which is neutral and polar, at codon 128 of the GPD1L protein (p.Pro128Ser). This variant is present in population databases (no rsID available, gnomAD 0.003%). This variant has not been reported in the literature in individuals affected with GPD1L-related conditions. Advanced modeling of protein sequence and biophysical properties (such as structural, functional, and spatial information, amino acid conservation, physicochemical variation, residue mobility, and thermodynamic stability) performed at Invitae indicates that this missense variant is not expected to disrupt GPD1L protein function. In summary, the available evidence is currently insufficient to determine the role of this variant in disease. Therefore, it has been classified as a Variant of Uncertain Significance.

NM_015141.4(GPD1L):c.382C>T (p.Pro128Ser)

Gene: GPD1L (glycerol-3-phosphate dehydrogenase 1 like; plus strand). Cytogenetic location: 3p22.3.
Variant type: single nucleotide variant.
Coding change: c.382C>T on transcript NM_015141.4 (MANE Select); coding-DNA position 382, C replaced by T.
Protein change: p.Pro128Ser; replaces proline 128 with serine.
Molecular consequence: missense variant.
Genome position (GRCh38, 1-based): chr3:32,140,243, C>T. VCF-style: chr3-32140243-C-T. GRCh37 (hg19) VCF-style: chr3-32181735-C-T.
Other names: short protein forms P128S.
Identifiers: ClinVar variation 2904884 (VCV002904884.3), dbSNP rs1316844789, ClinGen allele CA351974559.